The following is an entry in ClinVar:

ClinVar aggregate classification (germline): Likely benign. Review status: criteria provided, multiple submitters, no conflicts (2 of 4 stars). 7 submissions from 7 submitters: Likely benign (7). Last evaluated 2026-09-23.

Conditions:
Dilated cardiomyopathy 1R (CMD1R). Identifiers: Orphanet 154, Orphanet 54260, MedGen C3150681, MONDO:0013261, OMIM 613424.
Hypertrophic cardiomyopathy 11. Also called: ACTC1-Related Familial Hypertrophic Cardiomyopathy. Identifiers: MedGen C2677506, MONDO:0012799, OMIM 612098.
Atrial septal defect 5 (ASD5). Identifiers: Orphanet 1478, MedGen C2748552, MONDO:0013011, OMIM 612794.
Cardiomyopathy (CMYO). Also called: Cardiomyopathies. Identifiers: Orphanet 167848, MedGen C0878544, MONDO:0004994, HP:0001638. Inheritance: Various modes of inheritance.
Hypertrophic cardiomyopathy. Also called: HYPERTROPHIC MYOCARDIOPATHY. Identifiers: Orphanet 217569, MedGen C0007194, MeSH D002312, MONDO:0005045, HP:0001639.
ACTC1-related disorder. Also called: ACTC1-related condition.
Cardiovascular phenotype. Identifiers: MedGen CN230736.

Allele frequency attached by ClinVar (database versions not stated): gnomAD exomes 0.00001; ExAC 0.00002; TOPMed 0.00002; gnomAD 0.00003; 1000 Genomes Project 30x 0.00016; 1000 Genomes Project 0.00020.
gnomAD v4.1: 35 of 1,614,104 alleles (0.0022%); highest among the groups gnomAD compares: East Asian, 0.051%; no homozygotes.

Submissions (7):

PreventionGenetics, part of Exact Sciences
Classification: Likely benign for ACTC1-related condition. Last evaluated: 2026-09-23. Review status: criteria provided, single submitter. Criteria: ACMG Guidelines, 2015. Collection method: clinical testing. Allele origin: germline.
Comment: This variant is classified as likely benign based on ACMG/AMP sequence variant interpretation guidelines (Richards et al. 2015 PMID: 25741868, with internal and published modifications).

Labcorp Genetics (formerly Invitae), Labcorp
Classification: Likely benign for Dilated cardiomyopathy 1R; Hypertrophic cardiomyopathy 11; Atrial septal defect 5. Last evaluated: 2025-10-03. Review status: criteria provided, single submitter. Criteria: Invitae Variant Classification Sherloc (09022015). Collection method: clinical testing. Allele origin: germline.

Women's Health and Genetics/Laboratory Corporation of America, LabCorp
Classification: Likely benign. Last evaluated: 2023-10-09. Review status: criteria provided, single submitter. Criteria: LabCorp Variant Classification Summary - May 2015. Collection method: clinical testing. Allele origin: germline.

All of Us Research Program, National Institutes of Health
Classification: Likely benign for Hypertrophic cardiomyopathy. Last evaluated: 2023-10-02. Review status: criteria provided, single submitter. Criteria: ACMG Guidelines, 2015. Collection method: clinical testing. Allele origin: germline. Inheritance: Autosomal dominant inheritance. Observed: 1 variant allele, 1 heterozygote.
Comment: This study involves interpretation of variants in research participants for the purpose of population health screening. Participant phenotype was not available at the time of variant classification. Additional details can be found in publication PMID: 35346344, PMCID: PMC8962531

GeneDx
Classification: Likely benign. Last evaluated: 2020-10-02. Review status: criteria provided, single submitter. Criteria: GeneDx Variant Classification Process June 2021. Collection method: clinical testing. Allele origin: germline. Affected: yes.

Ambry Genetics
Classification: Likely benign for Cardiovascular phenotype. Last evaluated: 2020-01-08. Review status: criteria provided, single submitter. Criteria: Ambry Variant Classification Scheme 2023. Collection method: clinical testing. Allele origin: germline.

Color Diagnostics, LLC DBA Color Health
Classification: Likely benign for Cardiomyopathy. Last evaluated: 2019-05-20. Review status: criteria provided, single submitter. Criteria: ACMG Guidelines, 2015. Collection method: clinical testing. Allele origin: germline.

NM_005159.5(ACTC1):c.300C>T (p.Pro100=)

Genes: ACTC1 (actin alpha cardiac muscle 1; minus strand), GJD2-DT (GJD2 divergent transcript; plus strand). Cytogenetic location: 15q14.
Variant type: single nucleotide variant.
Coding change: c.300C>T on transcript NM_005159.5 (MANE Select); coding-DNA position 300, C replaced by T.
Protein change: p.Pro100=; no amino-acid change (proline 100 retained).
Molecular consequence: synonymous variant.
Genome position (GRCh38, 1-based): chr15:34,793,399, G>A on the plus strand (C>T on the coding strand, the complement: ACTC1 is on the minus strand). VCF-style: chr15-34793399-G-A. GRCh37 (hg19) VCF-style: chr15-35085600-G-A.
Identifiers: ClinVar variation 772478 (VCV000772478.17), dbSNP rs141322728, ClinGen allele CA041605.